The following is an entry in ClinVar:

NM_006218.4(PIK3CA):c.1190C>G (p.Pro397Arg)

Gene: PIK3CA (phosphatidylinositol-4,5-bisphosphate 3-kinase catalytic subunit alpha; plus strand). Cytogenetic location: 3q26.32.
Variant type: single nucleotide variant.
Coding change: c.1190C>G on transcript NM_006218.4 (MANE Select); coding-DNA position 1190, C replaced by G.
Protein change: p.Pro397Arg; replaces proline 397 with arginine.
Molecular consequence: missense variant.
Genome position (GRCh38, 1-based): chr3:179,209,639, C>G. VCF-style: chr3-179209639-C-G. GRCh37 (hg19) VCF-style: chr3-178927427-C-G.
Other names: short protein forms P397R.
Identifiers: ClinVar variation 2587512 (VCV002587512.2), dbSNP rs2108399239, ClinGen allele CA355261393.
Genomic context (GRCh38, chr3:179,209,639, plus strand): 5'-TTAAAATTTTACATAGGTGGAATGAATGGCTGAATTATGATATATACATTCCTGATCTTC[C>G]TCGTGCTGCTCGACTTTGCCTTTCCATTTGCTCTGTTAAAGGCCGAAAGGGTGCTAAAGA-3'
Protein context (NP_006209.2, residues 387-407): LNYDIYIPDL[Pro397Arg]RAARLCLSIC

ClinVar aggregate classification (germline): Uncertain significance (1 of 4 stars; one submission).

Conditions:
Inborn genetic diseases. Identifiers: MedGen C0950123, MeSH D030342.

Submission:

Ambry Genetics
Classification: Uncertain significance for Inborn genetic diseases. Last evaluated: 2023-08-11. Review status: criteria provided, single submitter. Criteria: Ambry Variant Classification Scheme 2023. Collection method: clinical testing. Allele origin: germline.
Comment: The p.P397R variant (also known as c.1190C>G), located in coding exon 6 of the PIK3CA gene, results from a C to G substitution at nucleotide position 1190. The proline at codon 397 is replaced by arginine, an amino acid with dissimilar properties. This amino acid position is conserved. In addition, this alteration is predicted to be deleterious by in silico analysis. Since supporting evidence is limited at this time, the clinical significance of this alteration remains unclear.